The following is an entry in ClinVar:

NM_000059.4(BRCA2):c.5770A>G (p.Ile1924Val)

Gene: BRCA2 (BRCA2 DNA repair associated; plus strand). Cytogenetic location: 13q13.1.
Variant type: single nucleotide variant.
Coding change: c.5770A>G on transcript NM_000059.4 (MANE Select); coding-DNA position 5770, A replaced by G.
Protein change: p.Ile1924Val; replaces isoleucine 1924 with valine.
Molecular consequence: missense variant.
Genome position (GRCh38, 1-based): chr13:32,340,125, A>G. VCF-style: chr13-32340125-A-G. GRCh37 (hg19) VCF-style: chr13-32914262-A-G.
Other names: short protein forms I1924V.
Identifiers: ClinVar variation 236882 (VCV000236882.14), dbSNP rs779020831, ClinGen allele CA6940901.

ClinVar aggregate classification (germline): Conflicting classifications of pathogenicity. Review status: criteria provided, conflicting classifications (1 of 4 stars). 5 submissions from 5 submitters: Uncertain significance (4); Likely benign (1). Last evaluated 2025-05-07.

Conditions:
Hereditary cancer-predisposing syndrome. Also called: Hereditary neoplastic syndrome; Hereditary Cancer Syndrome; Neoplastic Syndromes, Hereditary; Tumor predisposition. Identifiers: Orphanet 140162, MedGen C0027672, MeSH D009386, MONDO:0015356.
BRCA2-related cancer predisposition. Identifiers: MedGen CN377758, MONDO:0700269.
Hereditary breast ovarian cancer syndrome. Also called: BRCA1- and BRCA2-Associated Hereditary Breast and Ovarian Cancer; Hereditary breast and ovarian cancer syndrome; Hereditary breast and ovarian cancer; Hereditary breast and ovarian cancer syndrome (HBOC); Breast and ovarian cancer; Hereditary breast and/or ovarian cancer syndrome. Identifiers: Orphanet 145, MedGen C0677776, MeSH D061325, MONDO:0003582. Disease mechanism: loss of function.

Allele frequency attached by ClinVar (database versions not stated): gnomAD exomes 0.00001; ExAC 0.00002.
gnomAD v4.1: 3 of 1,613,496 alleles (0.00019%); highest among the groups gnomAD compares: Non-Finnish European, 0.00025%; no homozygotes.

Submissions (5):

Ambry Genetics
Classification: Uncertain significance for Hereditary cancer-predisposing syndrome. Last evaluated: 2025-05-07. Review status: criteria provided, single submitter. Criteria: Ambry Variant Classification Scheme 2023. Collection method: clinical testing. Allele origin: germline.
Comment: The p.I1924V variant (also known as c.5770A>G), located in coding exon 10 of the BRCA2 gene, results from an A to G substitution at nucleotide position 5770. The isoleucine at codon 1924 is replaced by valine, an amino acid with highly similar properties. This amino acid position is not well conserved in available vertebrate species. In addition, this alteration is predicted to be tolerated by in silico analysis. Since supporting evidence is limited at this time, the clinical significance of this alteration remains unclear.

Labcorp Genetics (formerly Invitae), Labcorp
Classification: Uncertain significance for Hereditary breast ovarian cancer syndrome. Last evaluated: 2025-01-13. Review status: criteria provided, single submitter. Criteria: Invitae Variant Classification Sherloc (09022015). Collection method: clinical testing. Allele origin: germline.
Comment: This sequence change replaces isoleucine, which is neutral and non-polar, with valine, which is neutral and non-polar, at codon 1924 of the BRCA2 protein (p.Ile1924Val). This variant is present in population databases (rs779020831, gnomAD 0.003%). This variant has not been reported in the literature in individuals affected with BRCA2-related conditions. ClinVar contains an entry for this variant (Variation ID: 236882). Invitae Evidence Modeling of protein sequence and biophysical properties (such as structural, functional, and spatial information, amino acid conservation, physicochemical variation, residue mobility, and thermodynamic stability) indicates that this missense variant is not expected to disrupt BRCA2 protein function with a negative predictive value of 95%. In summary, the available evidence is currently insufficient to determine the role of this variant in disease. Therefore, it has been classified as a Variant of Uncertain Significance.

All of Us Research Program, National Institutes of Health
Classification: Uncertain significance for BRCA2-related cancer predisposition. Last evaluated: 2024-03-24. Review status: criteria provided, single submitter. Criteria: ACMG Guidelines, 2015. Collection method: clinical testing. Allele origin: germline. Inheritance: Autosomal dominant inheritance. Observed: 1 variant allele, 1 heterozygote.
Comment: This missense variant replaces isoleucine with valine at codon 1924 of the BRCA2 protein. Computational prediction suggests that this variant may not impact protein structure and function. To our knowledge, functional studies have not been reported for this variant. This variant has not been reported in individuals affected with BRCA2-related disorders in the literature. This variant has been identified in 3/250706 chromosomes in the general population by the Genome Aggregation Database (gnomAD). The available evidence is insufficient to determine the role of this variant in disease conclusively. Therefore, this variant is classified as a Variant of Uncertain Significance.

This study involves interpretation of variants in research participants for the purpose of population health screening. Participant phenotype was not available at the time of variant classification. Additional details can be found in publication PMID: 35346344, PMCID: PMC8962531

Quest Diagnostics Nichols Institute San Juan Capistrano
Classification: Uncertain significance. Last evaluated: 2023-09-16. Review status: criteria provided, single submitter. Criteria: Quest Diagnostics criteria. Collection method: clinical testing. Allele origin: unknown.
Comment: In the published literature, this variant has been reported to be located in a region of the BRCA2 gene that is tolerant to missense sequence changes (PMID: 31911673 (2020)). This variant has not been reported in individuals with BRCA2-related disorders. The frequency of this variant in the general population, 0.000026 (3/113398 chromosomes (Genome Aggregation Database)), is uninformative in the assessment of its pathogenicity. Analysis of this variant using bioinformatics tools for the prediction of the effect of amino acid changes on protein structure and function yielded predictions that this variant is benign. Based on the available information, we are unable to determine the clinical significance of this variant.

University of Washington Department of Laboratory Medicine, University of Washington
Classification: Likely benign for Hereditary cancer-predisposing syndrome. Last evaluated: 2023-03-23. Review status: criteria provided, single submitter. Criteria: Dines et al. (Genet Med. 2020). Collection method: curation. Allele origin: germline.
Comment: Missense variant in a coldspot region where missense variants are very unlikely to be pathogenic (PMID:31911673).

BRCA2 exon 11 coldspot. Reclassification based on statistical prior probability.

Literature cited by the submitters: PubMed 31911673 (cited by Quest Diagnostics Nichols Institute San Juan Capistrano).